The following is an entry in ClinVar:

ClinVar aggregate classification (germline): Uncertain significance (1 of 4 stars; one submission).

gnomAD v4.1: 2 of 1,612,842 alleles (0.00012%); highest among the groups gnomAD compares: Non-Finnish European, 0.00017%; no homozygotes.

Submission:

Quest Diagnostics Nichols Institute San Juan Capistrano
Classification: Uncertain significance. Last evaluated: 2025-05-20. Review status: criteria provided, single submitter. Criteria: Quest Diagnostics criteria. Collection method: clinical testing. Allele origin: unknown.
Comment: The RECQL c.1485T>C (p.Asp495=) synonymous variant has not been reported in individuals with RECQL-related conditions in the published literature. It also has not been reported in large, multi-ethnic general populations (Genome Aggregation Database). Analysis of this variant using software algorithms for the prediction of the effect of nucleotide changes on splicing yielded predictions that this variant does not affect RECQL mRNA splicing. Based on the available information, we are unable to determine the clinical significance of this variant.

NM_002907.4(RECQL):c.1485T>C (p.Asp495=)

Gene: RECQL (RecQ like helicase; minus strand). Cytogenetic location: 12p12.1.
Variant type: single nucleotide variant.
Coding change: c.1485T>C on transcript NM_002907.4 (MANE Select); coding-DNA position 1485, T replaced by C.
Protein change: p.Asp495=; no amino-acid change (aspartic acid 495 retained).
Molecular consequence: synonymous variant.
Genome position (GRCh38, 1-based): chr12:21,471,610, A>G on the plus strand (T>C on the coding strand, the complement: RECQL is on the minus strand). VCF-style: chr12-21471610-A-G. GRCh37 (hg19) VCF-style: chr12-21624544-A-G.
Other names: c.1485T>C, p.Asp495= (NM_032941.3).
Identifiers: ClinVar variation 4533059 (VCV004533059.1).